The following is an entry in ClinVar:

ClinVar aggregate classification (germline): Uncertain significance (1 of 4 stars; one submission).

Conditions:
Hereditary cancer-predisposing syndrome. Also called: Neoplastic Syndromes, Hereditary; Tumor predisposition; Hereditary Cancer Syndrome; Hereditary neoplastic syndrome. Identifiers: Orphanet 140162, MedGen C0027672, MeSH D009386, MONDO:0015356.

Submission:

Ambry Genetics
Classification: Uncertain significance for Hereditary cancer-predisposing syndrome. Last evaluated: 2026-01-13. Review status: criteria provided, single submitter. Criteria: Ambry Variant Classification Scheme 2023. Collection method: clinical testing. Allele origin: germline.
Comment: The p.Q706E variant (also known as c.2116C>G), located in coding exon 12 of the ALK gene, results from a C to G substitution at nucleotide position 2116. The glutamine at codon 706 is replaced by glutamic acid, an amino acid with highly similar properties. This amino acid position is conserved. In addition, this alteration is predicted to be tolerated by in silico analysis. Based on the available evidence, the clinical significance of this variant remains unclear.

NM_004304.5(ALK):c.2116C>G (p.Gln706Glu)

Gene: ALK (ALK receptor tyrosine kinase; minus strand). Cytogenetic location: 2p23.2.
Variant type: single nucleotide variant.
Coding change: c.2116C>G on transcript NM_004304.5 (MANE Select); coding-DNA position 2116, C replaced by G.
Protein change: p.Gln706Glu; replaces glutamine 706 with glutamic acid.
Molecular consequence: missense variant.
Genome position (GRCh38, 1-based): chr2:29,251,193, G>C on the plus strand (C>G on the coding strand, the complement: ALK is on the minus strand). VCF-style: chr2-29251193-G-C. GRCh37 (hg19) VCF-style: chr2-29474059-G-C.
Other names: short protein forms Q706E.
Identifiers: ClinVar variation 4834542 (VCV004834542.1).
Genomic context (GRCh38, chr2:29,251,193, plus strand): 5'-AGATCTGGATGCCTTTCAGGGGGCCCTCGCTCCCCACCTCCACGCTCAGGTTGGAGTTCT[G>C]GTAGGCGTTGTTGCACTGTGCCTGGGTGGGGCCATGGGGCCCGCTGGCCCCACATGTGGT-3'
Protein context (NP_004295.2, residues 696-716): PTQAQCNNAY[Gln706Glu]NSNLSVEVGS